The following is an entry in ClinVar:

ClinVar aggregate classification (germline): Uncertain significance. Review status: criteria provided, multiple submitters, no conflicts (2 of 4 stars). 2 submissions from 2 submitters: Uncertain significance (2). Last evaluated 2024-09-11.

Conditions:
Inborn genetic diseases. Identifiers: MedGen C0950123, MeSH D030342.
Pyogenic bacterial infections due to MyD88 deficiency (IMD68). Also called: PYOGENIC BACTERIAL INFECTIONS, RECURRENT, DUE TO MYD88 DEFICIENCY. Identifiers: Orphanet 183713, MedGen C2677092, MONDO:0012839, OMIM 612260.

Allele frequency attached by ClinVar (database versions not stated): gnomAD 0.00001; gnomAD exomes 0.00001 and 0.00003; TOPMed 0.00003; ExAC 0.00002.

Submissions (2):

Ambry Genetics
Classification: Uncertain significance for Inborn genetic diseases. Last evaluated: 2024-09-11. Review status: criteria provided, single submitter. Criteria: Ambry Variant Classification Scheme 2023. Collection method: clinical testing. Allele origin: germline.

Labcorp Genetics (formerly Invitae), Labcorp
Classification: Uncertain significance for Pyogenic bacterial infections due to MyD88 deficiency. Last evaluated: 2020-08-02. Review status: criteria provided, single submitter. Criteria: Invitae Variant Classification Sherloc (09022015). Collection method: clinical testing. Allele origin: germline.
Comment: This sequence change replaces tyrosine with cysteine at codon 180 of the MYD88 protein (p.Tyr180Cys). The tyrosine residue is highly conserved and there is a large physicochemical difference between tyrosine and cysteine. This variant is present in population databases (rs759979054, ExAC 0.03%). This variant has not been reported in the literature in individuals with MYD88-related conditions. Algorithms developed to predict the effect of missense changes on protein structure and function (SIFT, PolyPhen-2, Align-GVGD) all suggest that this variant is likely to be disruptive, but these predictions have not been confirmed by published functional studies and their clinical significance is uncertain. In summary, the available evidence is currently insufficient to determine the role of this variant in disease. Therefore, it has been classified as a Variant of Uncertain Significance.

NM_002468.5(MYD88):c.500A>G (p.Tyr167Cys)

Gene: MYD88 (MYD88 innate immune signal transduction adaptor; plus strand). Cytogenetic location: 3p22.2.
Variant type: single nucleotide variant.
Coding change: c.500A>G on transcript NM_002468.5 (MANE Select); coding-DNA position 500, A replaced by G.
Protein change: p.Tyr167Cys; replaces tyrosine 167 with cysteine.
Molecular consequence: missense variant. On other transcripts: intron variant (2).
Genome position (GRCh38, 1-based): chr3:38,140,424, A>G. VCF-style: chr3-38140424-A-G. GRCh37 (hg19) VCF-style: chr3-38181915-A-G.
Other names: c.500A>G, p.Tyr167Cys (NM_001172567.2, NM_001365876.1, NM_001374787.1); c.365A>G, p.Tyr122Cys (NM_001172568.2, NM_001365877.1); c.464-333A>G (NM_001172569.3); c.329-333A>G (NM_001172566.2); c.539A>G (NM_002468.4); short protein forms Y122C, Y167C.
Identifiers: ClinVar variation 1046016 (VCV001046016.4), dbSNP rs759979054, ClinGen allele CA2316145.
Genomic context (GRCh38, chr3:38,140,424, plus strand): 5'-ACCACCCTTGTGCTCTGCACCCAGGGCATATGCCTGAGCGTTTCGATGCCTTCATCTGCT[A>G]TTGCCCCAGCGACATCCAGTTTGTGCAGGAGATGATCCGGCAACTGGAACAGACAAACTA-3'
Protein context (NP_002459.3, residues 157-177): MPERFDAFIC[Tyr167Cys]CPSDIQFVQE